The following is an entry in ClinVar:

ClinVar aggregate classification (germline): Likely pathogenic (1 of 4 stars; one submission).

Submission:

Mayo Clinic Laboratories, Mayo Clinic
Classification: Likely pathogenic. Last evaluated: 2025-03-19. Review status: criteria provided, single submitter. Criteria: ACMG Guidelines, 2015. Collection method: clinical testing. Allele origin: germline. Observed: 1 variant allele.
Comment: PM2_supporting, PVS1

NM_014804.3(KIAA0753):c.1324C>T (p.Gln442Ter)

Gene: KIAA0753 (KIAA0753; minus strand). Cytogenetic location: 17p13.1.
Variant type: single nucleotide variant.
Coding change: c.1324C>T on transcript NM_014804.3 (MANE Select); coding-DNA position 1324, C replaced by T.
Protein change: p.Gln442Ter; replaces glutamine 442 with a stop codon.
Molecular consequence: nonsense.
Genome position (GRCh38, 1-based): chr17:6,612,140, G>A on the plus strand (C>T on the coding strand, the complement: KIAA0753 is on the minus strand). VCF-style: chr17-6612140-G-A. GRCh37 (hg19) VCF-style: chr17-6515460-G-A.
Other names: p.Gln442*; c.427C>T, p.Gln143Ter (NM_001351225.2); short protein forms Q143*, Q442*.
Identifiers: ClinVar variation 4542120 (VCV004542120.1).